The following is an entry in ClinVar:

NM_000217.3(KCNA1):c.794A>G (p.Tyr265Cys)

Gene: KCNA1 (potassium voltage-gated channel subfamily A member 1; plus strand). Cytogenetic location: 12p13.32.
Variant type: single nucleotide variant.
Coding change: c.794A>G on transcript NM_000217.3 (MANE Select); coding-DNA position 794, A replaced by G.
Protein change: p.Tyr265Cys; replaces tyrosine 265 with cysteine.
Molecular consequence: missense variant.
Genome position (GRCh38, 1-based): chr12:4,912,172, A>G. VCF-style: chr12-4912172-A-G. GRCh37 (hg19) VCF-style: chr12-5021338-A-G.
Other names: short protein forms Y265C.
Identifiers: ClinVar variation 846128 (VCV000846128.10), dbSNP rs1947356506, ClinGen allele CA383455354.

ClinVar aggregate classification (germline): Uncertain significance (1 of 4 stars; one submission).

Conditions:
Episodic ataxia type 1 (EA1). Also called: MYOKYMIA WITH PERIODIC ATAXIA; PAROXYSMAL ATAXIA WITH NEUROMYOTONIA, HEREDITARY; ATAXIA, EPISODIC, WITH MYOKYMIA; Episodic ataxia/myokymia syndrome. Identifiers: Orphanet 37612, Orphanet 972, MedGen C1719788, MONDO:0008047, OMIM 160120.

Allele frequency attached by ClinVar (database versions not stated): gnomAD exomes below 0.00001.
gnomAD v4.1: 1 of 1,612,812 alleles (0.000062%); highest among the groups gnomAD compares: Non-Finnish European, 0.000085%; no homozygotes.

Submission:

Labcorp Genetics (formerly Invitae), Labcorp
Classification: Uncertain significance for Episodic ataxia type 1. Last evaluated: 2020-03-20. Review status: criteria provided, single submitter. Criteria: Invitae Variant Classification Sherloc (09022015). Collection method: clinical testing. Allele origin: germline.
Comment: In summary, the available evidence is currently insufficient to determine the role of this variant in disease. Therefore, it has been classified as a Variant of Uncertain Significance. Algorithms developed to predict the effect of missense changes on protein structure and function (SIFT, PolyPhen-2, Align-GVGD) all suggest that this variant is likely to be disruptive, but these predictions have not been confirmed by published functional studies and their clinical significance is uncertain. This variant has not been reported in the literature in individuals with KCNA1-related conditions. This variant is not present in population databases (ExAC no frequency). This sequence change replaces tyrosine with cysteine at codon 265 of the KCNA1 protein (p.Tyr265Cys). The tyrosine residue is highly conserved and there is a large physicochemical difference between tyrosine and cysteine.